The following is an entry in ClinVar:

ClinVar aggregate classification (germline): Conflicting classifications of pathogenicity. Review status: criteria provided, conflicting classifications (1 of 4 stars). 6 submissions from 6 submitters: Uncertain significance (5); Likely benign (1). Last evaluated 2026-06-29.

Conditions:
Bethlem myopathy 2 (BTHLM2). Identifiers: Orphanet 536516, Orphanet 610, MedGen C4225313, MONDO:0034022, OMIM 616471.
Ullrich congenital muscular dystrophy 2 (UCMD2). Identifiers: Orphanet 75840, MedGen C4225314, MONDO:0014654, OMIM 616470.

Allele frequency attached by ClinVar (database versions not stated): ExAC 0.00005; ESP Exome Variant Server 0.00008; gnomAD 0.00008; TOPMed 0.00009; gnomAD exomes 0.00010.

Submissions (6):

Women's Health and Genetics/Laboratory Corporation of America, LabCorp
Classification: Uncertain significance. Last evaluated: 2026-06-29. Review status: criteria provided, single submitter. Criteria: LabCorp Variant Classification Summary - May 2015. Collection method: clinical testing. Allele origin: germline.
Comment: Variant summary: COL12A1 c.5507C>T (p.Thr1836Met) results in a non-conservative amino acid change in the encoded protein sequence. Algorithms developed to predict the effect of missense changes on protein structure and function are either unavailable or do not agree on the potential impact of this missense change. The variant allele was found at a frequency of 9.6e-05 in 248772 control chromosomes. This frequency is not significantly higher than estimated for disease-causing variants in COL12A1, allowing no conclusion about variant significance. To our knowledge, no occurrence of c.5507C>T in individuals affected with COL12A1-related conditions and no experimental evidence demonstrating its impact on protein function have been reported. ClinVar contains an entry for this variant (Variation ID: 837588). Based on the evidence outlined above, the variant was classified as uncertain significance.

CeGaT Center for Human Genetics Tuebingen
Classification: Uncertain significance. Last evaluated: 2026-04-01. Review status: criteria provided, single submitter. Criteria: CeGaT Center For Human Genetics Tuebingen Variant Classification Criteria Version 2. Collection method: clinical testing. Allele origin: germline. Affected: yes. Observed: 3 variant alleles.
Comment: COL12A1: PM2:Supporting

Labcorp Genetics (formerly Invitae), Labcorp
Classification: Likely benign for Bethlem myopathy 2; Ullrich congenital muscular dystrophy 2. Last evaluated: 2026-01-25. Review status: criteria provided, single submitter. Criteria: Invitae Variant Classification Sherloc (09022015). Collection method: clinical testing. Allele origin: germline.

Revvity Omics, Revvity
Classification: Uncertain significance. Last evaluated: 2025-07-17. Review status: criteria provided, single submitter. Criteria: ACMG Guidelines, 2015. Collection method: clinical testing. Allele origin: germline.

GeneDx
Classification: Uncertain significance. Last evaluated: 2025-06-30. Review status: criteria provided, single submitter. Criteria: GeneDx Variant Classification Process June 2021. Collection method: clinical testing. Allele origin: germline. Affected: yes.
Comment: In silico analysis suggests that this missense variant does not alter protein structure/function; Has not been previously published as pathogenic or benign to our knowledge; This variant is associated with the following publications: (PMID: 31854063)

Mayo Clinic Laboratories, Mayo Clinic
Classification: Uncertain significance. Last evaluated: 2023-09-21. Review status: criteria provided, single submitter. Criteria: ACMG Guidelines, 2015. Collection method: clinical testing. Allele origin: germline. Observed: 1 variant allele.

NM_004370.6(COL12A1):c.5507C>T (p.Thr1836Met)

Gene: COL12A1 (collagen type XII alpha 1 chain; minus strand). Cytogenetic location: 6q13.
Variant type: single nucleotide variant.
Coding change: c.5507C>T on transcript NM_004370.6 (MANE Select); coding-DNA position 5507, C replaced by T.
Protein change: p.Thr1836Met; replaces threonine 1836 with methionine.
Molecular consequence: missense variant.
Genome position (GRCh38, 1-based): chr6:75,134,743, G>A on the plus strand (C>T on the coding strand, the complement: COL12A1 is on the minus strand). VCF-style: chr6-75134743-G-A. GRCh37 (hg19) VCF-style: chr6-75844459-G-A.
Other names: p.Thr1836Met; c.2015C>T, p.Thr672Met (NM_080645.3); short protein forms T672M, T1836M.
Identifiers: ClinVar variation 837588 (VCV000837588.39), dbSNP rs200108494, ClinGen allele CA3893115.